The following is an entry in ClinVar:

ClinVar aggregate classification (germline): Benign. Review status: criteria provided, single submitter (1 of 4 stars). 2 submissions from 1 submitter: Benign (2). Last evaluated 2018-01-13.

Conditions:
Waardenburg syndrome. Also called: Waardenburg's syndrome. Identifiers: Orphanet 3440, MedGen C3266898, MONDO:0018094.
PCWH syndrome. Also called: WAARDENBURG-SHAH SYNDROME, NEUROLOGIC VARIANT. Identifiers: Orphanet 163746, MedGen C1836727, MONDO:0012198, OMIM 609136.

Allele frequency attached by ClinVar (database versions not stated): TOPMed 0.00008; gnomAD exomes 0.00004 and 0.00009; gnomAD 0.00006 and 0.00007; 1000 Genomes Project 0.00060; ExAC 0.00030; 1000 Genomes Project 30x 0.00062.
gnomAD v4.1: 57 of 1,420,356 alleles (0.004%); highest among the groups gnomAD compares: African/African-American, 0.02%; no homozygotes.

Submissions (2):

Illumina Laboratory Services, Illumina
Classification: Benign for Waardenburg syndrome. Last evaluated: 2018-01-13. Review status: criteria provided, single submitter. Criteria: ICSL Variant Classification Criteria 13 December 2019. Collection method: clinical testing. Allele origin: germline.
Comment: This variant was observed in the ICSL laboratory as part of a predisposition screen in an ostensibly healthy population. It had not been previously curated by ICSL or reported in the Human Gene Mutation Database (HGMD: prior to June 1st, 2018), and was therefore a candidate for classification through an automated scoring system. Utilizing variant allele frequency, disease prevalence and penetrance estimates, and inheritance mode, an automated score was calculated to assess if this variant is too frequent to cause the disease. Based on the score and internal cut-off values, a variant classified as benign is not then subjected to further curation. The score for this variant resulted in a classification of benign for this disease.

Illumina Laboratory Services, Illumina
Classification: Benign for PCWH syndrome. Last evaluated: 2018-01-13. Review status: criteria provided, single submitter. Criteria: ICSL Variant Classification Criteria 13 December 2019. Collection method: clinical testing. Allele origin: germline.
Comment: the same text as in the submission from Illumina Laboratory Services, Illumina above.

NM_006941.4(SOX10):c.*27G>A

Genes: POLR2F (RNA polymerase II, I and III subunit F; plus strand), SOX10 (SRY-box transcription factor 10; minus strand). Cytogenetic location: 22q13.1.
Variant type: single nucleotide variant.
Coding change: c.*27G>A on transcript NM_006941.4 (MANE Select); 27 bases downstream of the stop codon, G replaced by A.
Molecular consequence: 3 prime UTR variant. On other transcripts: intron variant (3).
Genome position (GRCh38, 1-based): chr22:37,973,468, C>T on the plus strand (G>A on the coding strand, the complement: SOX10 is on the minus strand). VCF-style: chr22-37973468-C-T. GRCh37 (hg19) VCF-style: chr22-38369475-C-T.
Other names: c.*38+1158C>T (NM_001363825.1); c.293+6298C>T (NM_001301130.2, NM_001301131.2).
Identifiers: ClinVar variation 900754 (VCV000900754.6), dbSNP rs563902004, ClinGen allele CA10228469.
Genomic context (GRCh38, chr22:37,973,468, plus strand): 5'-CCACCACCAGGCCTGAGGTGGGCAAGGAACAGGGCACACAGGCTGGGGGCAGGGGCTGGG[C>T]GGGGGGTGGTGGCGACAGGGCCCCCTTTAGGGCCGGGACAGTGTCGTATATACTGGCTGC-3'